The following is an entry in ClinVar:

NM_001166108.2(PALLD):c.2746G>A (p.Asp916Asn)

Genes: CBR4 (carbonyl reductase 4; minus strand), PALLD (palladin, cytoskeletal associated protein; plus strand). Cytogenetic location: 4q32.3.
Variant type: single nucleotide variant.
Coding change: c.2746G>A on transcript NM_001166108.2 (MANE Select); coding-DNA position 2746, G replaced by A.
Protein change: p.Asp916Asn; replaces aspartic acid 916 with asparagine.
Molecular consequence: missense variant.
Genome position (GRCh38, 1-based): chr4:168,915,923, G>A. VCF-style: chr4-168915923-G-A. GRCh37 (hg19) VCF-style: chr4-169837074-G-A.
Other names: c.1549G>A, p.Asp517Asn (NM_001166109.2); c.1234G>A, p.Asp412Asn (NM_001166110.2); c.574G>A, p.Asp192Asn (NM_001367567.1, NM_001367569.1); c.625G>A, p.Asp209Asn (NM_001367568.1, NM_001367570.1); c.2695G>A, p.Asp899Asn (NM_016081.4); short protein forms D192N, D209N, D412N, D517N, D899N, D916N.
Identifiers: ClinVar variation 1794845 (VCV001794845.2), dbSNP rs2534078094, ClinGen allele CA358706518.
Genomic context (GRCh38, chr4:168,915,923, plus strand): 5'-TTCTATCTATCTGTCATCTTTCTTGTTTCAAGGCCTCGTTCTAGATCAAGGGACAGTGGA[G>A]ACGAAAATGAACCAATTCAGGAGCGATTCTTCAGACCTCACTTCTTGCAGGCTCCTGGAG-3'
Protein context (NP_001159580.1, residues 906-926): RPRSRSRDSG[Asp916Asn]ENEPIQERFF

ClinVar aggregate classification (germline): Uncertain significance (1 of 4 stars; one submission).

Allele frequency attached by ClinVar (database versions not stated): gnomAD exomes below 0.00001.
gnomAD v4.1: 1 of 1,613,186 alleles (0.000062%); highest among the groups gnomAD compares: South Asian, 0.0011%; no homozygotes.

Submission:

Ambry Genetics
Classification: Uncertain significance. Last evaluated: 2022-04-10. Review status: criteria provided, single submitter. Criteria: Ambry Variant Classification Scheme 2023. Collection method: clinical testing. Allele origin: germline.
Comment: The p.D899N variant (also known as c.2695G>A), located in coding exon 15 of the PALLD gene, results from a G to A substitution at nucleotide position 2695. The aspartic acid at codon 899 is replaced by asparagine, an amino acid with highly similar properties. This amino acid position is conserved. In addition, this alteration is predicted to be tolerated by in silico analysis. Since supporting evidence is limited at this time, the clinical significance of this alteration remains unclear.